The following is an entry in ClinVar:

ClinVar aggregate classification (germline): Uncertain significance (1 of 4 stars; one submission).

gnomAD v4.1: 1 of 1,613,222 alleles (0.000062%); highest among the groups gnomAD compares: Non-Finnish European, 0.000085%; no homozygotes.

Submission:

GeneDx
Classification: Uncertain significance. Last evaluated: 2025-02-05. Review status: criteria provided, single submitter. Criteria: GeneDx Variant Classification Process June 2021. Collection method: clinical testing. Allele origin: germline. Affected: yes.
Comment: Not observed at significant frequency in large population cohorts (gnomAD); In silico analysis supports that this missense variant has a deleterious effect on protein structure/function; Has not been previously published as pathogenic or benign to our knowledge; This variant is associated with the following publications: (PMID: 12938084)

NM_000138.5(FBN1):c.7682C>T (p.Thr2561Ile)

Gene: FBN1 (fibrillin 1; minus strand). Cytogenetic location: 15q21.1.
Variant type: single nucleotide variant.
Coding change: c.7682C>T on transcript NM_000138.5 (MANE Select); coding-DNA position 7682, C replaced by T.
Protein change: p.Thr2561Ile; replaces threonine 2561 with isoleucine.
Molecular consequence: missense variant.
Genome position (GRCh38, 1-based): chr15:48,421,575, G>A on the plus strand (C>T on the coding strand, the complement: FBN1 is on the minus strand). VCF-style: chr15-48421575-G-A. GRCh37 (hg19) VCF-style: chr15-48713772-G-A.
Other names: c.7682C>T, p.Thr2561Ile (NM_001406716.1); short protein forms T2561I.
Identifiers: ClinVar variation 4074622 (VCV004074622.1).
Genomic context (GRCh38, chr15:48,421,575, plus strand): 5'-ACAAGGATTCACCAGCTGGATCGCAGCTGAAGTCTCCACCCACCTTCACAGCTGGAGCCG[G>A]TCTGATCAAGTGAGAATCCCCGCTGGCATTCACAGGTGAAGCTTCCAGGAGTGTTCTGGC-3'
Protein context (NP_000129.3, residues 2551-2571): ECQRGFSLDQ[Thr2561Ile]GSSCEDVDEC